The following is an entry in ClinVar:

ClinVar aggregate classification (germline): Likely benign. Review status: criteria provided, multiple submitters, no conflicts (2 of 4 stars). 5 submissions from 5 submitters: Likely benign (5). Last evaluated 2025-02-12.

Conditions:
Hereditary breast ovarian cancer syndrome. Also called: Breast and ovarian cancer; Hereditary breast and/or ovarian cancer syndrome; Hereditary breast and ovarian cancer syndrome (HBOC); Hereditary breast and ovarian cancer; BRCA1- and BRCA2-Associated Hereditary Breast and Ovarian Cancer; Hereditary breast and ovarian cancer syndrome. Identifiers: Orphanet 145, MedGen C0677776, MeSH D061325, MONDO:0003582. Disease mechanism: loss of function.
Hereditary cancer-predisposing syndrome. Also called: Hereditary neoplastic syndrome; Neoplastic Syndromes, Hereditary; Hereditary Cancer Syndrome; Tumor predisposition. Identifiers: Orphanet 140162, MedGen C0027672, MeSH D009386, MONDO:0015356.
Breast and/or ovarian cancer. Identifiers: MedGen CN221562.

Submissions (5):

Labcorp Genetics (formerly Invitae), Labcorp
Classification: Likely benign for Hereditary breast ovarian cancer syndrome. Last evaluated: 2025-02-12. Review status: criteria provided, single submitter. Criteria: Invitae Variant Classification Sherloc (09022015). Collection method: clinical testing. Allele origin: germline.

Ambry Genetics
Classification: Likely benign for Hereditary cancer-predisposing syndrome. Last evaluated: 2023-01-09. Review status: criteria provided, single submitter. Criteria: Ambry Variant Classification Scheme 2023. Collection method: clinical testing. Allele origin: germline.

CeGaT Center for Human Genetics Tuebingen
Classification: Likely benign. Last evaluated: 2023-01-01. Review status: criteria provided, single submitter. Criteria: CeGaT Center For Human Genetics Tuebingen Variant Classification Criteria Version 2. Collection method: clinical testing. Allele origin: germline. Affected: yes. Observed: 1 variant allele.
Comment: BRCA2: PM2:Supporting, BP4, BP7

CHEO Genetics Diagnostic Laboratory, Children's Hospital of Eastern Ontario
Classification: Likely benign for Breast and/or ovarian cancer. Last evaluated: 2022-04-07. Review status: criteria provided, single submitter. Criteria: ACMG Guidelines, 2015. Collection method: clinical testing. Allele origin: germline.

Color Diagnostics, LLC DBA Color Health
Classification: Likely benign for Hereditary cancer-predisposing syndrome. Last evaluated: 2016-06-23. Review status: criteria provided, single submitter. Criteria: ACMG Guidelines, 2015. Collection method: clinical testing. Allele origin: germline.

NM_000059.4(BRCA2):c.7083T>C (p.His2361=)

Gene: BRCA2 (BRCA2 DNA repair associated; plus strand). Cytogenetic location: 13q13.1.
Variant type: single nucleotide variant.
Coding change: c.7083T>C on transcript NM_000059.4 (MANE Select); coding-DNA position 7083, T replaced by C.
Protein change: p.His2361=; no amino-acid change (histidine 2361 retained).
Molecular consequence: synonymous variant.
Genome position (GRCh38, 1-based): chr13:32,354,936, T>C. VCF-style: chr13-32354936-T-C. GRCh37 (hg19) VCF-style: chr13-32929073-T-C.
Identifiers: ClinVar variation 491318 (VCV000491318.43), dbSNP rs1555285994, ClinGen allele CA483439383.
Genomic context (GRCh38, chr13:32,354,936, plus strand): 5'-TCAAGAGATACAGAATCCAAATTTTACCGCACCTGGTCAAGAATTTCTGTCTAAATCTCA[T>C]TTGTATGAACATCTGACTTTGGAAAAATCTTCAAGCAATTTAGCAGTTTCAGGACATCCA-3'
Protein context (NP_000050.3, residues 2351-2371): APGQEFLSKS[His2361=]LYEHLTLEKS